The following is an entry in ClinVar:

ClinVar aggregate classification (germline): Pathogenic (1 of 4 stars; one submission).

Conditions:
Zellweger spectrum disorders (ZS). Also called: Zellweger syndrome; Zellweger Spectrum Disorder; Zellweger Spectrum; Zellweger Spectrum Disorder (ZSD). Identifiers: Orphanet 912, MedGen C0043459, MONDO:0019609.

gnomAD v4.1: 1 of 1,613,758 alleles (0.000062%); highest among the groups gnomAD compares: Non-Finnish European, 0.000085%; no homozygotes.

Submission:

Labcorp Genetics (formerly Invitae), Labcorp
Classification: Pathogenic for Zellweger spectrum disorders. Last evaluated: 2025-08-10. Review status: criteria provided, single submitter. Criteria: Invitae Variant Classification Sherloc (09022015). Collection method: clinical testing. Allele origin: germline.
Comment: This sequence change creates a premature translational stop signal (p.Gln344*) in the PEX1 gene. It is expected to result in an absent or disrupted protein product. Loss-of-function variants in PEX1 are known to be pathogenic (PMID: 21031596, 26387595, 31831025). This variant is not present in population databases (gnomAD no frequency). This variant has not been reported in the literature in individuals affected with PEX1-related conditions. For these reasons, this variant has been classified as Pathogenic.

Literature cited by the submitters: PubMed 21031596; PubMed 26387595; PubMed 31831025.

NM_000466.3(PEX1):c.1030C>T (p.Gln344Ter)

Gene: PEX1 (peroxisomal biogenesis factor 1; minus strand). Cytogenetic location: 7q21.2.
Variant type: single nucleotide variant.
Coding change: c.1030C>T on transcript NM_000466.3 (MANE Select); coding-DNA position 1030, C replaced by T.
Protein change: p.Gln344Ter; replaces glutamine 344 with a stop codon.
Molecular consequence: nonsense.
Genome position (GRCh38, 1-based): chr7:92,517,485, G>A on the plus strand (C>T on the coding strand, the complement: PEX1 is on the minus strand). VCF-style: chr7-92517485-G-A. GRCh37 (hg19) VCF-style: chr7-92146799-G-A.
Other names: c.1030C>T, p.Gln344Ter (NM_001282677.2); c.406C>T, p.Gln136Ter (NM_001282678.2); short protein forms Q344*, Q136*.
Identifiers: ClinVar variation 4725147 (VCV004725147.1).